The following is an entry in ClinVar:

ClinVar aggregate classification (germline): Likely benign. Review status: criteria provided, multiple submitters, no conflicts (2 of 4 stars). 3 submissions from 3 submitters: Likely benign (3). Last evaluated 2026-01-26.

Allele frequency attached by ClinVar (database versions not stated): TOPMed 0.00088; 1000 Genomes Project 0.00100; 1000 Genomes Project 30x 0.00109.
gnomAD v4.1: 1,935 of 1,612,244 alleles (0.12%); highest among the groups gnomAD compares: East Asian, 0.27%; 3 homozygotes.

Submissions (3):

Labcorp Genetics (formerly Invitae), Labcorp
Classification: Likely benign. Last evaluated: 2026-01-26. Review status: criteria provided, single submitter. Criteria: Invitae Variant Classification Sherloc (09022015). Collection method: clinical testing. Allele origin: germline.

Mayo Clinic Laboratories, Mayo Clinic
Classification: Likely benign. Last evaluated: 2025-04-16. Review status: criteria provided, single submitter. Criteria: ACMG Guidelines, 2015. Collection method: clinical testing. Allele origin: germline. Observed: 6 variant alleles.
Comment: BS1, BP4_moderate

CeGaT Center for Human Genetics Tuebingen
Classification: Likely benign. Last evaluated: 2025-04-01. Review status: criteria provided, single submitter. Criteria: CeGaT Center For Human Genetics Tuebingen Variant Classification Criteria Version 2. Collection method: clinical testing. Allele origin: germline. Affected: yes. Observed: 2 variant alleles.
Comment: PNPLA8: BP4, BS2

NM_001256007.3(PNPLA8):c.1025A>G (p.Glu342Gly)

Gene: PNPLA8 (patatin like domain 8, phospholipase A2; minus strand). Cytogenetic location: 7q31.1.
Variant type: single nucleotide variant.
Coding change: c.1025A>G on transcript NM_001256007.3 (MANE Select); coding-DNA position 1025, A replaced by G.
Protein change: p.Glu342Gly; replaces glutamic acid 342 with glycine.
Molecular consequence: missense variant.
Genome position (GRCh38, 1-based): chr7:108,514,467, T>C on the plus strand (A>G on the coding strand, the complement: PNPLA8 is on the minus strand). VCF-style: chr7-108514467-T-C. GRCh37 (hg19) VCF-style: chr7-108154911-T-C.
Other names: p.Glu342Gly; c.1025A>G, p.Glu342Gly (NM_001256008.3, NM_001256009.3, NM_015723.5); c.725A>G, p.Glu242Gly (NM_001256010.3, NM_001256011.3); short protein forms E242G, E342G.
Identifiers: ClinVar variation 720811 (VCV000720811.25), dbSNP rs138887728, ClinGen allele CA4439709.